The following is an entry in ClinVar:

NM_004380.3(CREBBP):c.137C>T (p.Pro46Leu)

Gene: CREBBP (CREB binding lysine acetyltransferase; minus strand). Cytogenetic location: 16p13.3.
Variant type: single nucleotide variant.
Coding change: c.137C>T on transcript NM_004380.3 (MANE Select); coding-DNA position 137, C replaced by T.
Protein change: p.Pro46Leu; replaces proline 46 with leucine.
Molecular consequence: missense variant.
Genome position (GRCh38, 1-based): chr16:3,850,958, G>A on the plus strand (C>T on the coding strand, the complement: CREBBP is on the minus strand). VCF-style: chr16-3850958-G-A. GRCh37 (hg19) VCF-style: chr16-3900959-G-A.
Other names: c.137C>T, p.Pro46Leu (NM_001079846.1); short protein forms P46L.
Identifiers: ClinVar variation 4997124 (VCV004997124.1).

ClinVar aggregate classification (germline): Uncertain significance (1 of 4 stars; one submission).

Conditions:
CREBBP-related disorder. Also called: CREBBP-related condition; CREBBP-related disorders.

gnomAD v4.1: 2 of 1,614,092 alleles (0.00012%); highest among the groups gnomAD compares: Non-Finnish European, 0.00017%; no homozygotes.

Submission:

PreventionGenetics, part of Exact Sciences
Classification: Uncertain significance for CREBBP-related condition. Last evaluated: 2024-12-29. Review status: criteria provided, single submitter. Criteria: ACMG Guidelines, 2015. Collection method: clinical testing. Allele origin: germline.
Comment: The CREBBP c.137C>T variant is predicted to result in the amino acid substitution p.Pro46Leu. To our knowledge, this variant has not been reported in the literature or in a large population database (gnomAD), indicating this variant is rare. At this time, the clinical significance of this variant is uncertain due to the absence of conclusive functional and genetic evidence.